The following is an entry in ClinVar:

ClinVar aggregate classification (germline): Likely benign (0 of 4 stars; one submission).

Conditions:
NRP2-related disorder. Also called: NRP2-related condition.

gnomAD v4.1: 20 of 1,611,570 alleles (0.0012%); highest among the groups gnomAD compares: Non-Finnish European, 0.0015%; no homozygotes.

Submission:

PreventionGenetics, part of Exact Sciences
Classification: Likely benign for NRP2-related condition. Last evaluated: 2022-05-29. Review status: no assertion criteria provided. Collection method: clinical testing. Allele origin: germline.
Comment: This variant is classified as likely benign based on ACMG/AMP sequence variant interpretation guidelines (Richards et al. 2015 PMID: 25741868, with internal and published modifications).

NM_003872.3(NRP2):c.2425+9434C>T

Gene: NRP2 (neuropilin 2; plus strand). Cytogenetic location: 2q33.3.
Variant type: single nucleotide variant.
Coding change: c.2425+9434C>T on transcript NM_003872.3 (MANE Select); 9434 bases into the intron after coding-DNA position 2425, C replaced by T.
Molecular consequence: intron variant.
Genome position (GRCh38, 1-based): chr2:205,776,237, C>T. VCF-style: chr2-205776237-C-T. GRCh37 (hg19) VCF-style: chr2-206640961-C-T.
Other names: c.2440+9419C>T (NM_201266.2); c.2425+9434C>T (NM_201279.2); c.2441-9C>T (NM_018534.4); c.2426-9C>T (NM_201267.2).
Identifiers: ClinVar variation 3356767 (VCV003356767.1).